The following is an entry in ClinVar:

ClinVar aggregate classification (germline): Conflicting classifications of pathogenicity. Review status: criteria provided, conflicting classifications (1 of 4 stars). 2 submissions from 2 submitters: Uncertain significance (1); Likely benign (1). Last evaluated 2025-12-09.

Conditions:
Cardiovascular phenotype. Identifiers: MedGen CN230736.
Long QT syndrome (LQTS). Identifiers: MedGen C0023976, MeSH D008133, MONDO:0002442. Disease mechanism: loss of function. Inheritance: Various modes of inheritance.

Allele frequency attached by ClinVar (database versions not stated): gnomAD exomes 0.00001; TOPMed 0.00001; ExAC 0.00002.
gnomAD v4.1: 16 of 1,597,018 alleles (0.001%); highest among the groups gnomAD compares: Non-Finnish European, 0.0012%; no homozygotes.

Submissions (2):

Labcorp Genetics (formerly Invitae), Labcorp
Classification: Likely benign for Long QT syndrome. Last evaluated: 2025-12-09. Review status: criteria provided, single submitter. Criteria: Invitae Variant Classification Sherloc (09022015). Collection method: clinical testing. Allele origin: germline.

Ambry Genetics
Classification: Uncertain significance for Cardiovascular phenotype. Last evaluated: 2025-08-22. Review status: criteria provided, single submitter. Criteria: Ambry Variant Classification Scheme 2023. Collection method: clinical testing. Allele origin: germline.
Comment: The p.E2057K variant (also known as c.6169G>A), located in coding exon 47 of the CACNA1C gene, results from a G to A substitution at nucleotide position 6169. The glutamic acid at codon 2057 is replaced by lysine, an amino acid with similar properties. This amino acid position is not well conserved in available vertebrate species. In addition, this alteration is predicted to be tolerated by in silico analysis. Based on the available evidence, the clinical significance of this variant remains unclear for CACNA1C-related neurodevelopmental disorder; however, it is unlikely to be causative of CACNA1C-related long QT syndrome.

NM_000719.7(CACNA1C):c.6169G>A (p.Glu2057Lys)

Genes: CACNA1C (calcium voltage-gated channel subunit alpha1 C; plus strand), CACNA1C-AS1 (CACNA1C antisense RNA 1; minus strand). Cytogenetic location: 12p13.33.
Variant type: single nucleotide variant.
Coding change: c.6169G>A on transcript NM_000719.7 (MANE Select); coding-DNA position 6169, G replaced by A.
Protein change: p.Glu2057Lys; replaces glutamic acid 2057 with lysine.
Molecular consequence: missense variant. On other transcripts: non-coding transcript variant (1).
Genome position (GRCh38, 1-based): chr12:2,690,951, G>A. VCF-style: chr12-2690951-G-A. GRCh37 (hg19) VCF-style: chr12-2800117-G-A.
Other names: c.6169G>A (NM_000719.6); c.6313G>A, p.Glu2105Lys (NM_001129827.2); c.6292G>A, p.Glu2098Lys (NM_001129829.2); c.6274G>A, p.Glu2092Lys (NM_001129830.3, NM_001167624.3); c.6253G>A, p.Glu2085Lys (NM_001129831.2); c.6229G>A, p.Glu2077Lys (NM_001129832.2); c.6226G>A, p.Glu2076Lys (NM_001129833.2, NM_001129834.2, NM_001129835.2); c.6220G>A, p.Glu2074Lys (NM_001129836.2); and 7 more; short protein forms E2063K, E2077K, E2085K, E2092K, E2105K, E2117K, E2065K, E2057K.
Identifiers: ClinVar variation 1419018 (VCV001419018.9), dbSNP rs755553231, ClinGen allele CA6390099.
Genomic context (GRCh38, chr12:2,690,951, plus strand): 5'-CTCCTTCAGGTCTTGATTTCAGAAGGACTGGGGCAGTTTGCTCAAGATCCCAAGTTCATC[G>A]AGGTCACCACCCAGGAGCTGGCCGACGCCTGCGACATGACCATAGAGGAGATGGAGAGCG-3'
Protein context (NP_000710.5, residues 2047-2067): GQFAQDPKFI[Glu2057Lys]VTTQELADAC